The following is an entry in ClinVar:

NM_016616.5(NME8):c.1395_1396del (p.Glu467fs)

Gene: NME8 (NME/NM23 family member 8; plus strand). Cytogenetic location: 7p14.1.
Variant type: Deletion.
Coding change: c.1395_1396del on transcript NM_016616.5 (MANE Select); coding-DNA positions 1395 to 1396, 2 bases deleted (AA; older notation c.1395_1396delAA).
Protein change: p.Glu467fs; shifts the reading frame from glutamic acid 467.
Molecular consequence: frameshift variant.
Genome position (GRCh38, 1-based): chr7:37,888,424-37,888,425, AA deleted; deleting any 2 consecutive bases within chr7:37,888,423-37,888,425 gives the same sequence; the c. name uses the placement nearest the transcript's 3' end. VCF-style (leftmost placement, unchanged base first): chr7-37888422-CAA-C. GRCh37 (hg19) VCF-style: chr7-37928024-CAA-C.
Other names: short protein forms E467fs.
Identifiers: ClinVar variation 936548 (VCV000936548.8), dbSNP rs758258274, ClinGen allele CA4222505.

ClinVar aggregate classification (germline): Uncertain significance. Review status: criteria provided, multiple submitters, no conflicts (2 of 4 stars). 2 submissions from 2 submitters: Uncertain significance (2). Last evaluated 2025-12-29.

Conditions:
Primary ciliary dyskinesia 6. Also called: Primary Ciliary Dyskinesia 6: TXNDC3-Related Primary Ciliary Dyskinesia. Identifiers: Orphanet 244, MedGen C1970506, MONDO:0012571, OMIM 610852.

Submissions (2):

Labcorp Genetics (formerly Invitae), Labcorp
Classification: Uncertain significance for Primary ciliary dyskinesia 6. Last evaluated: 2025-12-29. Review status: criteria provided, single submitter. Criteria: Invitae Variant Classification Sherloc (09022015). Collection method: clinical testing. Allele origin: germline.
Comment: This sequence change creates a premature translational stop signal (p.Glu467Alafs*7) in the NME8 gene. It is expected to result in an absent or disrupted protein product. However, the current clinical and genetic evidence is not sufficient to establish whether loss-of-function variants in NME8 cause disease. This variant is present in population databases (rs758258274, gnomAD 0.003%). This variant has not been reported in the literature in individuals affected with NME8-related conditions. ClinVar contains an entry for this variant (Variation ID: 936548). In summary, the available evidence is currently insufficient to determine the role of this variant in disease. Therefore, it has been classified as a Variant of Uncertain Significance.

Blueprint Genetics
Classification: Uncertain significance. Last evaluated: 2024-11-19. Review status: criteria provided, single submitter. Criteria: ACMG Guidelines, 2015. Collection method: clinical testing. Allele origin: germline.